The following is an entry in ClinVar:

ClinVar aggregate classification (germline): Uncertain significance (1 of 4 stars; one submission).

gnomAD v4.1: 30 of 1,613,920 alleles (0.0019%); highest among the groups gnomAD compares: East Asian, 0.056%; no homozygotes.

Submission:

Labcorp Genetics (formerly Invitae), Labcorp
Classification: Uncertain significance. Last evaluated: 2024-10-19. Review status: criteria provided, single submitter. Criteria: Invitae Variant Classification Sherloc (09022015). Collection method: clinical testing. Allele origin: germline.
Comment: This sequence change replaces glutamic acid, which is acidic and polar, with aspartic acid, which is acidic and polar, at codon 2801 of the DNAH9 protein (p.Glu2801Asp). This variant is present in population databases (rs187502839, gnomAD 0.03%). This variant has not been reported in the literature in individuals affected with DNAH9-related conditions. Invitae Evidence Modeling of protein sequence and biophysical properties (such as structural, functional, and spatial information, amino acid conservation, physicochemical variation, residue mobility, and thermodynamic stability) indicates that this missense variant is not expected to disrupt DNAH9 protein function with a negative predictive value of 80%. In summary, the available evidence is currently insufficient to determine the role of this variant in disease. Therefore, it has been classified as a Variant of Uncertain Significance.

NM_001372.4(DNAH9):c.8403G>C (p.Glu2801Asp)

Gene: DNAH9 (dynein axonemal heavy chain 9; plus strand). Cytogenetic location: 17p12.
Variant type: single nucleotide variant.
Coding change: c.8403G>C on transcript NM_001372.4 (MANE Select); coding-DNA position 8403, G replaced by C.
Protein change: p.Glu2801Asp; replaces glutamic acid 2801 with aspartic acid.
Molecular consequence: missense variant.
Genome position (GRCh38, 1-based): chr17:11,797,776, G>C. VCF-style: chr17-11797776-G-C. GRCh37 (hg19) VCF-style: chr17-11701093-G-C.
Other names: short protein forms E2801D.
Identifiers: ClinVar variation 3614197 (VCV003614197.2).